The following is an entry in ClinVar:

NM_000039.3(APOA1):c.59A>G (p.His20Arg)

Genes: APOA1 (apolipoprotein A1; minus strand), APOA1-AS (APOA1 antisense RNA; plus strand). Cytogenetic location: 11q23.3.
Variant type: single nucleotide variant.
Coding change: c.59A>G on transcript NM_000039.3 (MANE Select); coding-DNA position 59, A replaced by G.
Protein change: p.His20Arg; replaces histidine 20 with arginine.
Molecular consequence: missense variant. On other transcripts: 5 prime UTR variant (1), intron variant (2).
Genome position (GRCh38, 1-based): chr11:116,837,142, T>C on the plus strand (A>G on the coding strand, the complement: APOA1 is on the minus strand). VCF-style: chr11-116837142-T-C. GRCh37 (hg19) VCF-style: chr11-116707858-T-C.
Other names: c.59A>G, p.His20Arg (NM_001318017.2, NM_001318018.2, NM_001425090.1 and 1 more transcripts); c.-269A>G (NM_001425092.1); c.-128+203A>G (NM_001425091.1); c.-240-29A>G (NM_001318021.2); short protein forms H20R.
Identifiers: ClinVar variation 3306869 (VCV003306869.1).
Genomic context (GRCh38, chr11:116,837,142, plus strand): 5'-GTGGCCAGGTCCTTCACTCGATCCCAGGGGCTCTGGGGGGGTTCATCTTGCTGCCAGAAA[T>C]GCCGAGCCTGGCTCCCTGAGGGTGGGAGGGGAGACCCAGATCAGGCCAGCTGTGGGCTGA-3'
Protein context (NP_000030.1, residues 10-30): VLFLTGSQAR[His20Arg]FWQQDEPPQS

ClinVar aggregate classification (germline): Uncertain significance (1 of 4 stars; one submission).

Conditions:
Cardiovascular phenotype. Identifiers: MedGen CN230736.

Submission:

Ambry Genetics
Classification: Uncertain significance for Cardiovascular phenotype. Last evaluated: 2024-03-27. Review status: criteria provided, single submitter. Criteria: Ambry Variant Classification Scheme 2023. Collection method: clinical testing. Allele origin: germline.
Comment: The p.H20R variant (also known as c.59A>G), located in coding exon 2 of the APOA1 gene, results from an A to G substitution at nucleotide position 59. The histidine at codon 20 is replaced by arginine, an amino acid with highly similar properties. This amino acid position is conserved. In addition, this alteration is predicted to be tolerated by in silico analysis. Based on the available evidence, the clinical significance of this alteration remains unclear.